The following is an entry in ClinVar:

ClinVar aggregate classification (germline): Uncertain significance (1 of 4 stars; one submission).

Submission:

CeGaT Center for Human Genetics Tuebingen
Classification: Uncertain significance. Last evaluated: 2023-07-01. Review status: criteria provided, single submitter. Criteria: CeGaT Center For Human Genetics Tuebingen Variant Classification Criteria Version 2. Collection method: clinical testing. Allele origin: germline. Affected: yes. Observed: 1 variant allele.
Comment: PLXNA3: PM2, BP4

NM_017514.5(PLXNA3):c.1134+7C>T

Gene: PLXNA3 (plexin A3; plus strand). Cytogenetic location: Xq28.
Variant type: single nucleotide variant.
Coding change: c.1134+7C>T on transcript NM_017514.5 (MANE Select); 7 bases into the intron after coding-DNA position 1134, C replaced by T.
Molecular consequence: intron variant.
Genome position (GRCh38, 1-based): chrX:154,461,645, C>T. VCF-style: chrX-154461645-C-T. GRCh37 (hg19) VCF-style: chrX-153689985-C-T.
Identifiers: ClinVar variation 2661831 (VCV002661831.24), dbSNP rs2523067243, ClinGen allele CA2695197204.